The following is an entry in ClinVar:

ClinVar aggregate classification (germline): Pathogenic (1 of 4 stars; one submission).

Conditions:
Rhabdoid tumor predisposition syndrome 1 (RTPS1). Also called: Familial Posterior Fossa Brain Tumor of Infancy. Identifiers: Orphanet 231108, Orphanet 69077, MedGen C1836327, MONDO:0012252, OMIM 609322.

Submission:

Diller/Parad Lab, Dana-Farber/Harvard Cancer Center
Classification: Pathogenic for Rhabdoid tumor predisposition syndrome 1. Last evaluated: 2026-05-29. Review status: criteria provided, single submitter. Criteria: ACMG Guidelines, 2015. Collection method: research. Allele origin: germline. Affected: yes.
Comment: It has been classified as Pathogenic using Richards et al (PMID:25741868) based on the following evidence codes: PM2, PVS1, PP3.

NM_003073.5(SMARCB1):c.132C>G (p.Tyr44Ter)

Gene: SMARCB1 (SWI/SNF related BAF chromatin remodeling complex subunit B1; plus strand). Cytogenetic location: 22q11.23.
Variant type: single nucleotide variant.
Coding change: c.132C>G on transcript NM_003073.5 (MANE Select); coding-DNA position 132, C replaced by G.
Protein change: p.Tyr44Ter; replaces tyrosine 44 with a stop codon.
Molecular consequence: nonsense.
Genome position (GRCh38, 1-based): chr22:23,791,794, C>G. VCF-style: chr22-23791794-C-G. GRCh37 (hg19) VCF-style: chr22-24133981-C-G.
Other names: c.132C>G, p.Tyr44Ter (NM_001007468.3, NM_001317946.2, NM_001362877.2); short protein forms Y44*.
Identifiers: ClinVar variation 4884458 (VCV004884458.1).
Genomic context (GRCh38, chr22:23,791,794, plus strand): 5'-AGCCTTCTTGCTTTACTCATAGGTGGGAAACTACCTCCGTATGTTCCGAGGTTCTCTGTA[C>G]AAGAGATACCCCTCACTCTGGAGGCGACTAGCCACTGTGGAAGAGAGGAAGAAAATAGTT-3'